The following continues an entry in ClinVar:

NM_000179.3(MSH6):c.3939_3940dup (p.Gln1314fs)

Gene: MSH6. ClinVar aggregate classification (germline): Pathogenic/Likely pathogenic. Pathogenic (8); Likely pathogenic (2).

Submissions 9 to 10 of 10:

Women's Health and Genetics/Laboratory Corporation of America, LabCorp
Classification: Pathogenic for Hereditary nonpolyposis colon cancer. Last evaluated: 2020-09-17. Review status: criteria provided, single submitter. Criteria: LabCorp Variant Classification Summary - May 2015. Collection method: clinical testing. Allele origin: germline.
Comment: Variant summary: MSH6 c.3939_3940dupTC (p.Gln1314LeufsX14) results in a premature termination codon, predicted to cause a truncation of the encoded protein or absence of the protein due to nonsense mediated decay, which are commonly known mechanisms for disease. Truncations downstream of this position have been classified as pathogenic by our laboratory. The variant was absent in 249986 control chromosomes. c.3939_3940dupTC has been reported in the literature in an individual affected with colorectal and bladder cancer (Susswein_2015) and in an individual screened for MMR mutations (phenotype not specified, Espenschied_2017). To our knowledge, no experimental evidence demonstrating an impact on protein function has been reported. Four other clinical diagnostic laboratories have submitted clinical-significance assessments for this variant to ClinVar after 2014 without evidence for independent evaluation. All laboratories cited the variant as pathogenic/likely pathogenic. Based on the evidence outlined above, the variant was classified as pathogenic.

Laboratory for Molecular Medicine, Mass General Brigham Personalized Medicine
Classification: Likely pathogenic for Lynch syndrome. Last evaluated: 2017-08-23. Review status: criteria provided, single submitter. Criteria: LMM Criteria. Collection method: clinical testing. Allele origin: germline. Inheritance: Autosomal dominant inheritance. Observed: 9 variant alleles.
Comment: The p.Gln1314fs variant in MSH6 has been reported in 1 individual with colorecta l and bladder cancer and 1 individual with unspecified cancer (Susswein 2015, Es penschied 2017). It has also been reported in ClinVar (Variation ID 182683) and was absent from large population studies, though the ability of these studies to accurately detect indels may be limited. This variant is predicted to cause a f rameshift, which alters the protein?s amino acid sequence beginning at position 1314 and leads to a premature termination codon 14 amino acids downstream. This termination codon occurs within the terminal 50 bases of the second to last exon and is more likely to escape nonsense mediated decay (NMD), resulting in a trun cated protein. Truncating variants downstream of this variant have been reported in individuals with Lynch syndrome. In summary, although additional studies ar e required to fully establish its clinical significance, the p.Gln1314fs variant is likely pathogenic.

Literature cited by the submitters: PubMed 26681312 (cited by 7 submitters); PubMed 28514183 (cited by 6 submitters); PubMed 14520694 (cited by Labcorp Genetics (formerly Invitae), Labcorp and All of Us Research Program, National Institutes of Health); PubMed 19851887 (cited by Labcorp Genetics (formerly Invitae), Labcorp and All of Us Research Program, National Institutes of Health); PubMed 24440087 (cited by Labcorp Genetics (formerly Invitae), Labcorp and All of Us Research Program, National Institutes of Health); PubMed 36313796 (cited by Quest Diagnostics Nichols Institute San Juan Capistrano); PubMed 29345684 (cited by Quest Diagnostics Nichols Institute San Juan Capistrano and All of Us Research Program, National Institutes of Health); PubMed 28888541 (cited by Quest Diagnostics Nichols Institute San Juan Capistrano); PubMed 2815724 (cited by All of Us Research Program, National Institutes of Health); PubMed 14974087 (cited by All of Us Research Program, National Institutes of Health); PubMed 18269114 (cited by All of Us Research Program, National Institutes of Health); PubMed 22658618 (cited by All of Us Research Program, National Institutes of Health); PubMed 24362816 (cited by All of Us Research Program, National Institutes of Health); PubMed 26099011 (cited by All of Us Research Program, National Institutes of Health); PubMed 30608896 (cited by All of Us Research Program, National Institutes of Health).